The following is an entry in ClinVar:

ClinVar aggregate classification (germline): Conflicting classifications of pathogenicity. Review status: criteria provided, conflicting classifications (1 of 4 stars). 8 submissions from 8 submitters: Uncertain significance (5); Likely benign (3). Last evaluated 2026-01-27.

Conditions:
Von Hippel-Lindau syndrome (VHLS). Also called: Von Hippel-Lindau; von Hippel–Lindau syndrome; VHL syndrome. Identifiers: Orphanet 892, MedGen C0019562, MONDO:0008667, OMIM 193300. Disease mechanism: loss of function.
Chuvash polycythemia. Also called: POLYCYTHEMIA, VHL-DEPENDENT. Identifiers: Orphanet 238557, MedGen C1837915, MONDO:0009892, OMIM 263400.
Hereditary cancer-predisposing syndrome. Also called: Hereditary Cancer Syndrome; Hereditary neoplastic syndrome; Tumor predisposition; Neoplastic Syndromes, Hereditary. Identifiers: Orphanet 140162, MedGen C0027672, MeSH D009386, MONDO:0015356.
Pheochromocytoma. Also called: MAX-Related Hereditary Paraganglioma-Pheochromocytoma Syndrome. Identifiers: Orphanet 29072, MedGen C0031511, MONDO:0008233, OMIM 171300, HP:0002666.
Nonpapillary renal cell carcinoma. Identifiers: Orphanet 422526, MedGen CN074294, MONDO:0007763, OMIM 144700.

Submissions (8):

Labcorp Genetics (formerly Invitae), Labcorp
Classification: Uncertain significance for Von Hippel-Lindau syndrome; Chuvash polycythemia. Last evaluated: 2026-01-27. Review status: criteria provided, single submitter. Criteria: Invitae Variant Classification Sherloc (09022015). Collection method: clinical testing. Allele origin: germline.
Comment: This variant, c.123_137dup, results in the insertion of 5 amino acid(s) of the VHL protein (p.Ser43_Glu47dup), but otherwise preserves the integrity of the reading frame. This variant is present in population databases (no rsID available, gnomAD 0.01%). This variant has been observed in individual(s) with paraganglioma (PMID: 34439371). ClinVar contains an entry for this variant (Variation ID: 456571). Experimental studies and prediction algorithms are not available or were not evaluated, and the functional significance of this variant is currently unknown. In summary, the available evidence is currently insufficient to determine the role of this variant in disease. Therefore, it has been classified as a Variant of Uncertain Significance.

Center for Genomic Medicine, Rigshospitalet, Copenhagen University Hospital
Classification: Likely benign. Last evaluated: 2025-03-04. Review status: criteria provided, single submitter. Criteria: ACMG Guidelines, 2015. Collection method: clinical testing. Allele origin: germline.

All of Us Research Program, National Institutes of Health
Classification: Uncertain significance for Von Hippel-Lindau syndrome. Last evaluated: 2024-09-23. Review status: criteria provided, single submitter. Criteria: ACMG Guidelines, 2015. Collection method: clinical testing. Allele origin: germline. Inheritance: Autosomal dominant inheritance. Observed: 6 variant alleles, 6 heterozygotes.
Comment: This variant causes a tandem duplication of 5 amino acids (p.Ser43_Glu47) in the VHL protein. This duplication is found at the N-terminus of the protein that is not conserved (PMID: 21386872), and functional studies have indicated that the first 53 a.a. at the N-terminus may be dispensable for VHL function (PMID: 9671762, 9751722, 10102622). To our knowledge, functional studies have not been reported for this variant. This variant has been reported in an individual affected with paraganglioma (glomus caroticum tumor) (PMID: 34439371). This variant has been identified in 3/150148 chromosomes in the general population by the Genome Aggregation Database (gnomAD). The available evidence is insufficient to determine the role of this variant in disease conclusively. Therefore, this variant is classified as a Variant of Uncertain Significance.

This study involves interpretation of variants in research participants for the purpose of population health screening. Participant phenotype was not available at the time of variant classification. Additional details can be found in publication PMID: 35346344, PMCID: PMC8962531

Baylor Genetics
Classification: Uncertain significance for Chuvash polycythemia. Last evaluated: 2024-02-06. Review status: criteria provided, single submitter. Criteria: ACMG Guidelines, 2015. Collection method: clinical testing. Allele origin: unknown.

Fulgent Genetics
Classification: Uncertain significance for Nonpapillary renal cell carcinoma; Pheochromocytoma; Von Hippel-Lindau syndrome; Chuvash polycythemia. Last evaluated: 2024-01-04. Review status: criteria provided, single submitter. Criteria: ACMG Guidelines, 2015. Collection method: clinical testing. Allele origin: germline.

Quest Diagnostics Nichols Institute San Juan Capistrano
Classification: Uncertain significance. Last evaluated: 2023-11-03. Review status: criteria provided, single submitter. Criteria: Quest Diagnostics criteria. Collection method: clinical testing. Allele origin: unknown.

Ambry Genetics
Classification: Likely benign for Hereditary cancer-predisposing syndrome. Last evaluated: 2021-06-22. Review status: criteria provided, single submitter. Criteria: Ambry Variant Classification Scheme 2023. Collection method: clinical testing. Allele origin: germline.

GeneDx
Classification: Likely benign. Last evaluated: 2021-02-01. Review status: criteria provided, single submitter. Criteria: GeneDx Variant Classification Process June 2021. Collection method: clinical testing. Allele origin: germline. Affected: yes.
Comment: Not observed at a significant frequency in large population cohorts (Lek et al., 2016); In silico analysis supports that this variant does not alter protein structure/function; Has not been previously published as pathogenic or benign to our knowledge

Literature cited by the submitters: PubMed 34439371 (cited by Labcorp Genetics (formerly Invitae), Labcorp and All of Us Research Program, National Institutes of Health); PubMed 9671762 (cited by All of Us Research Program, National Institutes of Health); PubMed 9751722 (cited by All of Us Research Program, National Institutes of Health); PubMed 10102622 (cited by All of Us Research Program, National Institutes of Health); PubMed 21386872 (cited by All of Us Research Program, National Institutes of Health).

NM_000551.4(VHL):c.123_137dup (p.38SGPEE[3])

Gene: VHL (von Hippel-Lindau tumor suppressor; plus strand). Cytogenetic location: 3p25.3.
Variant type: Duplication.
Coding change: c.123_137dup on transcript NM_000551.4 (MANE Select); coding-DNA positions 123 to 137, 15 bases duplicated (AGAGTCCGGCCCGGA).
Protein change: p.38SGPEE[3].
Molecular consequence: inframe insertion.
Genome position (GRCh38, 1-based): chr3:10,141,970-10,141,984, AGAGTCCGGCCCGGA duplicated; duplicating any 15 consecutive bases within chr3:10,141,956-10,141,984 gives the same sequence; the c. name uses the placement nearest the transcript's 3' end. VCF-style (leftmost placement, unchanged base first): chr3-10141955-G-GGAGTCCGGCCCGGAA. GRCh37 (hg19) VCF-style: chr3-10183639-G-GGAGTCCGGCCCGGAA.
Other names: c.123_137dupAGAGTCCGGCCCGGA (NM_000551.3, NM_000551.4); c.123_137dup, p.38SGPEE[3] (NM_001354723.2, NM_198156.3).
Identifiers: ClinVar variation 456571 (VCV000456571.21), dbSNP rs863224839, ClinGen allele CA541213522.